The following is an entry in ClinVar:

NM_006231.4(POLE):c.3436A>G (p.Thr1146Ala)

Gene: POLE (DNA polymerase epsilon, catalytic subunit; minus strand). Cytogenetic location: 12q24.33.
Variant type: single nucleotide variant.
Coding change: c.3436A>G on transcript NM_006231.4 (MANE Select); coding-DNA position 3436, A replaced by G.
Protein change: p.Thr1146Ala; replaces threonine 1146 with alanine.
Molecular consequence: missense variant.
Genome position (GRCh38, 1-based): chr12:132,657,372, T>C on the plus strand (A>G on the coding strand, the complement: POLE is on the minus strand). VCF-style: chr12-132657372-T-C. GRCh37 (hg19) VCF-style: chr12-133233958-T-C.
Other names: short protein forms T1146A.
Identifiers: ClinVar variation 2769722 (VCV002769722.3), dbSNP rs2542002013, ClinGen allele CA387389033.

ClinVar aggregate classification (germline): Uncertain significance (1 of 4 stars; one submission).

Submission:

Labcorp Genetics (formerly Invitae), Labcorp
Classification: Uncertain significance. Last evaluated: 2023-10-18. Review status: criteria provided, single submitter. Criteria: Invitae Variant Classification Sherloc (09022015). Collection method: clinical testing. Allele origin: germline.
Comment: This sequence change replaces threonine, which is neutral and polar, with alanine, which is neutral and non-polar, at codon 1146 of the POLE protein (p.Thr1146Ala). This variant is not present in population databases (gnomAD no frequency). This variant has not been reported in the literature in individuals affected with POLE-related conditions. Advanced modeling of protein sequence and biophysical properties (such as structural, functional, and spatial information, amino acid conservation, physicochemical variation, residue mobility, and thermodynamic stability) performed at Invitae indicates that this missense variant is expected to disrupt POLE protein function. In summary, the available evidence is currently insufficient to determine the role of this variant in disease. Therefore, it has been classified as a Variant of Uncertain Significance.